The following is an entry in ClinVar:

ClinVar aggregate classification (germline): Uncertain significance (1 of 4 stars; one submission).

Conditions:
Charcot-Marie-Tooth disease dominant intermediate C (CMTDIC). Also called: CHARCOT-MARIE-TOOTH NEUROPATHY, DOMINANT INTERMEDIATE C. Identifiers: Orphanet 100045, MedGen C1842237, MONDO:0012012, OMIM 608323.

Submission:

Labcorp Genetics (formerly Invitae), Labcorp
Classification: Uncertain significance for Charcot-Marie-Tooth disease dominant intermediate C. Last evaluated: 2024-04-18. Review status: criteria provided, single submitter. Criteria: Invitae Variant Classification Sherloc (09022015). Collection method: clinical testing. Allele origin: germline.
Comment: This sequence change replaces valine, which is neutral and non-polar, with methionine, which is neutral and non-polar, at codon 378 of the YARS protein (p.Val378Met). This variant is not present in population databases (gnomAD no frequency). This variant has not been reported in the literature in individuals affected with YARS-related conditions. Advanced modeling of protein sequence and biophysical properties (such as structural, functional, and spatial information, amino acid conservation, physicochemical variation, residue mobility, and thermodynamic stability) has been performed at Invitae for this missense variant, however the output from this modeling did not meet the statistical confidence thresholds required to predict the impact of this variant on YARS protein function. In summary, the available evidence is currently insufficient to determine the role of this variant in disease. Therefore, it has been classified as a Variant of Uncertain Significance.

NM_003680.4(YARS1):c.1132G>A (p.Val378Met)

Gene: YARS1 (tyrosyl-tRNA synthetase 1; minus strand). Cytogenetic location: 1p35.1.
Variant type: single nucleotide variant.
Coding change: c.1132G>A on transcript NM_003680.4 (MANE Select); coding-DNA position 1132, G replaced by A.
Protein change: p.Val378Met; replaces valine 378 with methionine.
Molecular consequence: missense variant.
Genome position (GRCh38, 1-based): chr1:32,781,056, C>T on the plus strand (G>A on the coding strand, the complement: YARS1 is on the minus strand). VCF-style: chr1-32781056-C-T. GRCh37 (hg19) VCF-style: chr1-33246657-C-T.
Other names: short protein forms V378M.
Identifiers: ClinVar variation 3650349 (VCV003650349.2).
Genomic context (GRCh38, chr1:32,781,056, plus strand): 5'-AGACAAACCTGACCCCAATCTGCCTCTCTGAGATGTGGTGAAAAATGAGTACCTTCTCCA[C>T]AGTGATGATTTTCCCCACACGGATATCCAGCCGGGATGGGATGACCTCCTCTGGTTCTGA-3'
Protein context (NP_003671.1, residues 368-388): LDIRVGKIIT[Val378Met]EKHPDADSLY